The following is an entry in ClinVar:

ClinVar aggregate classification (germline): Conflicting classifications of pathogenicity. Review status: criteria provided, conflicting classifications (1 of 4 stars). 4 submissions from 4 submitters: Uncertain significance (1); Likely benign (2). 1 of the submissions does not count toward it. Last evaluated 2025-10-21.

Conditions:
FUS-related disorder. Also called: FUS-related condition.
Inborn genetic diseases. Identifiers: MedGen C0950123, MeSH D030342.
Amyotrophic lateral sclerosis type 6. Also called: FUS-Related Amyotrophic Laterial Sclerosis; AMYOTROPHIC LATERAL SCLEROSIS 6 WITHOUT FRONTOTEMPORAL DEMENTIA; Amyotrophic lateral sclerosis 6, with or without frontotemporal dementia. Identifiers: Orphanet 275872, Orphanet 803, MedGen C2931786, MONDO:0011951, OMIM 608030.
Tremor, hereditary essential, 4 (ETM4). Identifiers: MedGen C3539195, MONDO:0013888, OMIM 614782.

Allele frequency attached by ClinVar (database versions not stated): ExAC 0.00001; gnomAD exomes 0.00003 and 0.00009; gnomAD 0.00007 and 0.00009; TOPMed 0.00011.
gnomAD v4.1: 70 of 1,613,922 alleles (0.0043%); highest among the groups gnomAD compares: Admixed American, 0.037%; no homozygotes.

Submissions (4):

Labcorp Genetics (formerly Invitae), Labcorp
Classification: Likely benign for Tremor, hereditary essential, 4; Amyotrophic lateral sclerosis type 6. Last evaluated: 2025-10-21. Review status: criteria provided, single submitter. Criteria: Invitae Variant Classification Sherloc (09022015). Collection method: clinical testing. Allele origin: germline.

Ambry Genetics
Classification: Likely benign for Inborn genetic diseases. Last evaluated: 2022-06-12. Review status: criteria provided, single submitter. Criteria: Ambry Variant Classification Scheme 2023. Collection method: clinical testing. Allele origin: germline.

Illumina Laboratory Services, Illumina
Classification: Uncertain significance for Amyotrophic lateral sclerosis type 6. Last evaluated: 2017-04-28. Review status: criteria provided, single submitter. Criteria: ICSL Variant Classification Criteria 13 December 2019. Collection method: clinical testing. Allele origin: germline.
Comment: This variant was observed as part of a predisposition screen in an ostensibly healthy population. A literature search was performed for the gene, cDNA change, and amino acid change (where applicable). Publications were found based on this search. However, the evidence from the literature, in combination with allele frequency data from public databases where available, was not sufficient to rule this variant in or out of causing disease. Therefore, this variant is classified as a variant of unknown significance.

PreventionGenetics, part of Exact Sciences
Classification: Likely benign for FUS-related condition. Last evaluated: 2024-09-16. Review status: no assertion criteria provided. Collection method: clinical testing. Allele origin: germline. Not counted in ClinVar's aggregate classification.
Comment: This variant is classified as likely benign based on ACMG/AMP sequence variant interpretation guidelines (Richards et al. 2015 PMID: 25741868, with internal and published modifications).

Literature cited by the submitters: PubMed 21261515 (cited by Illumina Laboratory Services, Illumina).

NM_004960.4(FUS):c.222A>G (p.Gly74=)

Gene: FUS (FUS RNA binding protein; plus strand). Cytogenetic location: 16p11.2.
Variant type: single nucleotide variant.
Coding change: c.222A>G on transcript NM_004960.4 (MANE Select); coding-DNA position 222, A replaced by G.
Protein change: p.Gly74=; no amino-acid change (glycine 74 retained).
Molecular consequence: synonymous variant. On other transcripts: non-coding transcript variant (1).
Genome position (GRCh38, 1-based): chr16:31,183,889, A>G. VCF-style: chr16-31183889-A-G. GRCh37 (hg19) VCF-style: chr16-31195210-A-G.
Other names: c.219A>G, p.Gly73= (NM_001170634.1); c.222A>G, p.Gly74= (NM_001170937.1).
Identifiers: ClinVar variation 887665 (VCV000887665.15), dbSNP rs757454595, ClinGen allele CA8023542.